The following is an entry in ClinVar:

ClinVar aggregate classification (germline): Uncertain significance. Review status: criteria provided, multiple submitters, no conflicts (2 of 4 stars). 3 submissions from 3 submitters: Uncertain significance (3). Last evaluated 2025-08-11.

Conditions:
Primary ciliary dyskinesia. Also called: Ciliary dyskinesia. Identifiers: Orphanet 244, MedGen C0008780, MONDO:0016575, HP:0012265.
Inborn genetic diseases. Identifiers: MedGen C0950123, MeSH D030342.

Allele frequency attached by ClinVar (database versions not stated): gnomAD exomes 0.00003; ExAC 0.00001; gnomAD 0.00001; TOPMed 0.00001.
gnomAD v4.1: 10 of 1,613,248 alleles (0.00062%); highest among the groups gnomAD compares: Admixed American, 0.015%; no homozygotes.

Submissions (3):

Ambry Genetics
Classification: Uncertain significance for Inborn genetic diseases. Last evaluated: 2025-08-11. Review status: criteria provided, single submitter. Criteria: Ambry Variant Classification Scheme 2023. Collection method: clinical testing. Allele origin: germline.

Greenwood Genetic Center Diagnostic Laboratories, Greenwood Genetic Center
Classification: Uncertain significance. Last evaluated: 2025-01-21. Review status: criteria provided, single submitter. Criteria: ACMG Guidelines, 2015. Collection method: clinical testing. Allele origin: germline.
Comment: PM2, BP4

Labcorp Genetics (formerly Invitae), Labcorp
Classification: Uncertain significance for Primary ciliary dyskinesia. Last evaluated: 2022-09-01. Review status: criteria provided, single submitter. Criteria: Invitae Variant Classification Sherloc (09022015). Collection method: clinical testing. Allele origin: germline.
Comment: This sequence change replaces glutamine, which is neutral and polar, with histidine, which is basic and polar, at codon 321 of the DRC1 protein (p.Gln321His). This variant is present in population databases (rs747446719, gnomAD 0.02%). This variant has not been reported in the literature in individuals affected with DRC1-related conditions. ClinVar contains an entry for this variant (Variation ID: 661769). Algorithms developed to predict the effect of missense changes on protein structure and function are either unavailable or do not agree on the potential impact of this missense change (SIFT: "Deleterious"; PolyPhen-2: "Probably Damaging"; Align-GVGD: "Class C0"). In summary, the available evidence is currently insufficient to determine the role of this variant in disease. Therefore, it has been classified as a Variant of Uncertain Significance.

NM_145038.5(DRC1):c.963G>T (p.Gln321His)

Gene: DRC1 (dynein regulatory complex subunit 1; plus strand). Cytogenetic location: 2p23.3.
Variant type: single nucleotide variant.
Coding change: c.963G>T on transcript NM_145038.5 (MANE Select); coding-DNA position 963, G replaced by T.
Protein change: p.Gln321His; replaces glutamine 321 with histidine.
Molecular consequence: missense variant.
Genome position (GRCh38, 1-based): chr2:26,440,452, G>T. VCF-style: chr2-26440452-G-T. GRCh37 (hg19) VCF-style: chr2-26663320-G-T.
Other names: c.963G>T (NM_145038.2); short protein forms Q321H.
Identifiers: ClinVar variation 661769 (VCV000661769.8), dbSNP rs747446719, ClinGen allele CA1562093.